The following is an entry in ClinVar:

NM_014251.3(SLC25A13):c.528dup (p.Arg177fs)

Gene: SLC25A13 (solute carrier family 25 member 13; minus strand). Cytogenetic location: 7q21.3.
Variant type: Duplication.
Coding change: c.528dup on transcript NM_014251.3 (MANE Select); coding-DNA position 528, one base duplicated (G; older notation c.528dupG).
Protein change: p.Arg177fs; shifts the reading frame from arginine 177.
Molecular consequence: frameshift variant. On other transcripts: non-coding transcript variant (1).
Genome position (GRCh38, 1-based): chr7:96,193,124, C duplicated on the plus strand (G on the coding strand, the reverse complement: SLC25A13 is on the minus strand); the first of 3 consecutive C bases (chr7:96,193,124-96,193,126); duplicating any one gives the same sequence. VCF-style (leftmost placement, unchanged base first): chr7-96193123-T-TC. GRCh37 (hg19) VCF-style: chr7-95822435-T-TC.
Other names: c.528dup, p.Arg177fs (NM_001160210.2); short protein forms R177fs.
Identifiers: ClinVar variation 1362972 (VCV001362972.8), dbSNP rs1794924933, ClinGen allele CA1727583771.
Genomic context (GRCh38, chr7:96,193,123, plus strand): 5'-GAGTCAAGACATGGGGGCGGATGGTGACCATGATGTCTCGGAAGTCGATGGCTGTGACTC[T>TC]CCCAGTCCTAGCATTGTCCCGTTGCACAAAGGCTTGCTTTGCGTGCTCCAGTTGTATTTC-3'

ClinVar aggregate classification (germline): Pathogenic/Likely pathogenic. Review status: criteria provided, multiple submitters, no conflicts (2 of 4 stars). 2 submissions from 2 submitters: Pathogenic (1); Likely pathogenic (1). Last evaluated 2024-10-26.

Conditions:
Citrin deficiency. Identifiers: Orphanet 247582, MedGen C1997910, MONDO:0016602.
Citrullinemia, type II, adult-onset (CDAA). Also called: CITRIN DEFICIENCY, ADOLESCENT OR ADULT ONSET. Identifiers: Orphanet 247585, MedGen CN295299, MONDO:0011326, OMIM 603471.

Submissions (2):

Labcorp Genetics (formerly Invitae), Labcorp
Classification: Pathogenic for Citrin deficiency. Last evaluated: 2024-10-26. Review status: criteria provided, single submitter. Criteria: Invitae Variant Classification Sherloc (09022015). Collection method: clinical testing. Allele origin: germline.
Comment: This sequence change creates a premature translational stop signal (p.Arg177Glufs*40) in the SLC25A13 gene. It is expected to result in an absent or disrupted protein product. Loss-of-function variants in SLC25A13 are known to be pathogenic (PMID: 10369257, 14680984, 27405544). This variant is not present in population databases (gnomAD no frequency). This variant has not been reported in the literature in individuals affected with SLC25A13-related conditions. ClinVar contains an entry for this variant (Variation ID: 1362972). For these reasons, this variant has been classified as Pathogenic.

Baylor Genetics
Classification: Likely pathogenic for Citrullinemia, type II, adult-onset. Last evaluated: 2024-01-01. Review status: criteria provided, single submitter. Criteria: ACMG Guidelines, 2015. Collection method: clinical testing. Allele origin: unknown.

Literature cited by the submitters: PubMed 10369257 (cited by Labcorp Genetics (formerly Invitae), Labcorp); PubMed 14680984 (cited by Labcorp Genetics (formerly Invitae), Labcorp); PubMed 27405544 (cited by Labcorp Genetics (formerly Invitae), Labcorp).